The following is an entry in ClinVar:

ClinVar aggregate classification (germline): Uncertain significance (1 of 4 stars; one submission).

Submission:

GeneDx
Classification: Uncertain significance. Last evaluated: 2020-03-23. Review status: criteria provided, single submitter. Criteria: GeneDx Variant Classification Process June 2021. Collection method: clinical testing. Allele origin: germline. Affected: yes.
Comment: Not observed in large population cohorts (Lek et al., 2016); In-frame deletion of 3 amino acids in a non-repeat region; In silico analysis supports a deleterious effect on protein structure/function; Has not been previously published as pathogenic or benign to our knowledge

NM_006565.4(CTCF):c.1148_1156del (p.Leu383_Ser385del)

Gene: CTCF (CCCTC-binding factor; plus strand). Cytogenetic location: 16q22.1.
Variant type: Deletion.
Coding change: c.1148_1156del on transcript NM_006565.4 (MANE Select); coding-DNA positions 1148 to 1156, 9 bases deleted (TGTGCAGTT; older notation c.1148_1156delTGTGCAGTT).
Protein change: p.Leu383_Ser385del.
Molecular consequence: inframe deletion. On other transcripts: inframe indel (1).
Genome position (GRCh38, 1-based): chr16:67,620,758-67,620,766, TGTGCAGTT deleted; deleting any 9 consecutive bases within chr16:67,620,750-67,620,766 gives the same sequence; the c. name uses the placement nearest the transcript's 3' end. VCF-style (leftmost placement, unchanged base first): chr16-67620749-AGTGCAGTTT-A. GRCh37 (hg19) VCF-style: chr16-67654652-AGTGCAGTTT-A.
Other names: c.164_172del, p.Leu55_Ser57del (NM_001191022.2); c.1148_1156delTGTGCAGTT, p.Leu383_Ser385del (NM_001363916.2).
Identifiers: ClinVar variation 1315376 (VCV001315376.2), dbSNP rs2142847584, ClinGen allele CA2573054253.
Genomic context (GRCh38, chr16:67,620,749, plus strand): 5'-TATTTCAGGTCAGCAAATTAAAACGTCACATTCGCTCTCATACTGGAGAGCGTCCGTTTC[AGTGCAGTTT>A]GTGCAGTTATGCCAGCAGGGACACATACAAGCTGAAAAGGCACATGAGAACCCATTCAGG-3'